The following is an entry in ClinVar:

NM_014797.3(ZBTB24):c.730G>A (p.Glu244Lys)

Gene: ZBTB24 (zinc finger and BTB domain containing 24; minus strand). Cytogenetic location: 6q21.
Variant type: single nucleotide variant.
Coding change: c.730G>A on transcript NM_014797.3 (MANE Select); coding-DNA position 730, G replaced by A.
Protein change: p.Glu244Lys; replaces glutamic acid 244 with lysine.
Molecular consequence: missense variant.
Genome position (GRCh38, 1-based): chr6:109,481,297, C>T on the plus strand (G>A on the coding strand, the complement: ZBTB24 is on the minus strand). VCF-style: chr6-109481297-C-T. GRCh37 (hg19) VCF-style: chr6-109802500-C-T.
Other names: c.730G>A, p.Glu244Lys (NM_001164313.2); short protein forms E244K.
Identifiers: ClinVar variation 855304 (VCV000855304.43), dbSNP rs113516976, ClinGen allele CA145111036.

ClinVar aggregate classification (germline): Uncertain significance. Review status: criteria provided, multiple submitters, no conflicts (2 of 4 stars). 2 submissions from 2 submitters: Uncertain significance (2). Last evaluated 2022-05-22.

Conditions:
Immunodeficiency-centromeric instability-facial anomalies syndrome 2 (ICF2). Identifiers: Orphanet 2268, MedGen C3279748, MONDO:0013553, OMIM 614069.

Allele frequency attached by ClinVar (database versions not stated): TOPMed 0.00002.

Submissions (2):

Labcorp Genetics (formerly Invitae), Labcorp
Classification: Uncertain significance for Immunodeficiency-centromeric instability-facial anomalies syndrome 2. Last evaluated: 2022-05-22. Review status: criteria provided, single submitter. Criteria: Invitae Variant Classification Sherloc (09022015). Collection method: clinical testing. Allele origin: germline.
Comment: This sequence change replaces glutamic acid, which is acidic and polar, with lysine, which is basic and polar, at codon 244 of the ZBTB24 protein (p.Glu244Lys). This variant is present in population databases (rs113516976, gnomAD 0.007%). This variant has not been reported in the literature in individuals affected with ZBTB24-related conditions. ClinVar contains an entry for this variant (Variation ID: 855304). Algorithms developed to predict the effect of missense changes on protein structure and function are either unavailable or do not agree on the potential impact of this missense change (SIFT: "Not Available"; PolyPhen-2: "Benign"; Align-GVGD: "Not Available"). In summary, the available evidence is currently insufficient to determine the role of this variant in disease. Therefore, it has been classified as a Variant of Uncertain Significance.

CeGaT Center for Human Genetics Tuebingen
Classification: Uncertain significance. Last evaluated: 2020-10-01. Review status: criteria provided, single submitter. Criteria: CeGaT Center For Human Genetics Tuebingen Variant Classification Criteria Version 2. Collection method: clinical testing. Allele origin: germline. Affected: yes. Observed: 1 variant allele.